The following is an entry in ClinVar:

NM_004947.5(DOCK3):c.2557C>T (p.Arg853Cys)

Gene: DOCK3 (dedicator of cytokinesis 3; plus strand). Cytogenetic location: 3p21.2.
Variant type: single nucleotide variant.
Coding change: c.2557C>T on transcript NM_004947.5 (MANE Select); coding-DNA position 2557, C replaced by T.
Protein change: p.Arg853Cys; replaces arginine 853 with cysteine.
Molecular consequence: missense variant.
Genome position (GRCh38, 1-based): chr3:51,275,087, C>T. VCF-style: chr3-51275087-C-T. GRCh37 (hg19) VCF-style: chr3-51312518-C-T.
Other names: c.2557C>T (NM_004947.4); short protein forms R853C.
Identifiers: ClinVar variation 1298918 (VCV001298918.37), dbSNP rs185670675, ClinGen allele CA2421230.

ClinVar aggregate classification (germline): Likely benign. Review status: criteria provided, multiple submitters, no conflicts (2 of 4 stars). 3 submissions from 3 submitters: Likely benign (2). 1 of the submissions does not count toward it. Last evaluated 2026-07-01.

Conditions:
DOCK3-related disorder. Also called: DOCK3-related condition.

Allele frequency attached by ClinVar (database versions not stated): 1000 Genomes Project 30x 0.00031; 1000 Genomes Project 0.00060; TOPMed 0.00156; gnomAD 0.00210 and 0.00217; gnomAD exomes 0.00261 and 0.00301; ESP Exome Variant Server 0.00307; ExAC 0.00318.

Submissions (3):

CeGaT Center for Human Genetics Tuebingen
Classification: Likely benign. Last evaluated: 2026-07-01. Review status: criteria provided, single submitter. Criteria: CeGaT Center For Human Genetics Tuebingen Variant Classification Criteria Version 2. Collection method: clinical testing. Allele origin: germline. Affected: yes. Observed: 12 variant alleles.
Comment: DOCK3: BS2

Breakthrough Genomics
Classification: Likely benign. Review status: criteria provided, single submitter. Criteria: ACMG Guidelines, 2015. Collection method: not provided. Allele origin: germline. Inheritance: Autosomal recessive inheritance. Affected: yes.

PreventionGenetics, part of Exact Sciences
Classification: Likely benign for DOCK3-related condition. Last evaluated: 2023-04-03. Review status: no assertion criteria provided. Collection method: clinical testing. Allele origin: germline. Not counted in ClinVar's aggregate classification.
Comment: This variant is classified as likely benign based on ACMG/AMP sequence variant interpretation guidelines (Richards et al. 2015 PMID: 25741868, with internal and published modifications).